The following is an entry in ClinVar:

NM_000057.4(BLM):c.3551A>G (p.Asn1184Ser)

Gene: BLM (BLM RecQ like helicase; plus strand). Cytogenetic location: 15q26.1.
Variant type: single nucleotide variant.
Coding change: c.3551A>G on transcript NM_000057.4 (MANE Select); coding-DNA position 3551, A replaced by G.
Protein change: p.Asn1184Ser; replaces asparagine 1184 with serine.
Molecular consequence: missense variant. On other transcripts: intron variant (1).
Genome position (GRCh38, 1-based): chr15:90,803,713, A>G. VCF-style: chr15-90803713-A-G. GRCh37 (hg19) VCF-style: chr15-91346943-A-G.
Other names: c.3551A>G, p.Asn1184Ser (NM_001287246.2); c.2426A>G, p.Asn809Ser (NM_001287248.2); c.3358+5376A>G (NM_001287247.2); short protein forms N809S, N1184S.
Identifiers: ClinVar variation 823917 (VCV000823917.10), dbSNP rs1596267777, ClinGen allele CA393847844.

ClinVar aggregate classification (germline): Uncertain significance. Review status: criteria provided, multiple submitters, no conflicts (2 of 4 stars). 3 submissions from 3 submitters: Uncertain significance (2). 1 of the submissions does not count toward it. Last evaluated 2023-06-17.

Conditions:
Hereditary cancer-predisposing syndrome. Also called: Neoplastic Syndromes, Hereditary; Tumor predisposition; Hereditary neoplastic syndrome; Hereditary Cancer Syndrome. Identifiers: Orphanet 140162, MedGen C0027672, MeSH D009386, MONDO:0015356.
Bloom syndrome (BLM). Also called: Bloom-Torre-Machacek syndrome. Identifiers: Orphanet 125, MedGen C0005859, MONDO:0008876, OMIM 210900.

Allele frequency attached by ClinVar (database versions not stated): gnomAD exomes 0.00001.
gnomAD v4.1: 4 of 1,613,990 alleles (0.00025%); highest among the groups gnomAD compares: Non-Finnish European, 0.00034%; no homozygotes.

Submissions (3):

Ambry Genetics
Classification: Uncertain significance for Hereditary cancer-predisposing syndrome. Last evaluated: 2023-06-17. Review status: criteria provided, single submitter. Criteria: Ambry Variant Classification Scheme 2023. Collection method: clinical testing. Allele origin: germline.
Comment: The p.N1184S variant (also known as c.3551A>G), located in coding exon 17 of the BLM gene, results from an A to G substitution at nucleotide position 3551. The asparagine at codon 1184 is replaced by serine, an amino acid with highly similar properties. This amino acid position is poorly conserved in available vertebrate species. In addition, this alteration is predicted to be tolerated by in silico analysis. Since supporting evidence is limited at this time, the clinical significance of this alteration remains unclear.

Labcorp Genetics (formerly Invitae), Labcorp
Classification: Uncertain significance for Bloom syndrome. Last evaluated: 2023-05-12. Review status: criteria provided, single submitter. Criteria: Invitae Variant Classification Sherloc (09022015). Collection method: clinical testing. Allele origin: germline.
Comment: ClinVar contains an entry for this variant (Variation ID: 823917). This variant has not been reported in the literature in individuals affected with BLM-related conditions. This variant is not present in population databases (gnomAD no frequency). This sequence change replaces asparagine, which is neutral and polar, with serine, which is neutral and polar, at codon 1184 of the BLM protein (p.Asn1184Ser). Advanced modeling of protein sequence and biophysical properties (such as structural, functional, and spatial information, amino acid conservation, physicochemical variation, residue mobility, and thermodynamic stability) performed at Invitae indicates that this missense variant is not expected to disrupt BLM protein function. In summary, the available evidence is currently insufficient to determine the role of this variant in disease. Therefore, it has been classified as a Variant of Uncertain Significance.

Natera, Inc.
Classification: Uncertain significance for Bloom syndrome. Last evaluated: 2020-04-24. Review status: no assertion criteria provided. Collection method: clinical testing. Allele origin: germline. Not counted in ClinVar's aggregate classification.